The following is an entry in ClinVar:

ClinVar aggregate classification (germline): Uncertain significance (1 of 4 stars; one submission).

Conditions:
Charcot-Marie-Tooth disease dominant intermediate C (CMTDIC). Also called: CHARCOT-MARIE-TOOTH NEUROPATHY, DOMINANT INTERMEDIATE C. Identifiers: Orphanet 100045, MedGen C1842237, MONDO:0012012, OMIM 608323.

Submission:

Labcorp Genetics (formerly Invitae), Labcorp
Classification: Uncertain significance for Charcot-Marie-Tooth disease dominant intermediate C. Last evaluated: 2022-11-01. Review status: criteria provided, single submitter. Criteria: Invitae Variant Classification Sherloc (09022015). Collection method: clinical testing. Allele origin: germline.
Comment: In summary, the available evidence is currently insufficient to determine the role of this variant in disease. Therefore, it has been classified as a Variant of Uncertain Significance. Experimental studies and prediction algorithms are not available or were not evaluated, and the functional significance of this variant is currently unknown. This variant has not been reported in the literature in individuals affected with YARS-related conditions. This variant results in a copy number gain of the genomic region encompassing exon(s) 1-3 of the YARS gene. This region includes the initiator codon of the gene. This copy number gain extends beyond the assayed region for this gene and therefore may encompass additional genes. As the precise location of this event is unknown, it may be in tandem or it may be located elsewhere in the genome.

NC_000001.10:g.(?_33276172)_(33282845_?)dup

Gene: YARS1 (tyrosyl-tRNA synthetase 1; minus strand). Cytogenetic location: 1p35.1.
Variant type: Duplication.
Identifiers: ClinVar variation 1681335 (VCV001681335.5).